The following is an entry in ClinVar:

ClinVar aggregate classification (germline): Benign. Review status: criteria provided, multiple submitters, no conflicts (2 of 4 stars). 3 submissions from 3 submitters: Benign (2). 1 of the submissions does not count toward it. Last evaluated 2026-01-03.

Conditions:
Granulomatous disease, chronic, X-linked. Also called: CYTOCHROME b-NEGATIVE GRANULOMATOUS DISEASE, CHRONIC, X-LINKED; GRANULOMATOUS DISEASE, CHRONIC, X-LINKED, SOMATIC MOSAIC. Identifiers: Orphanet 379, MedGen C1844376, MONDO:0010600, OMIM 306400.
Chronic granulomatous disease. Identifiers: Orphanet 379, MedGen C0018203, MONDO:0018305.

Allele frequency attached by ClinVar (database versions not stated): TOPMed 0.00006; gnomAD 0.00009 and 0.00022; gnomAD exomes 0.00015 and 0.00048; ExAC 0.00020; 1000 Genomes Project 30x 0.00083; 1000 Genomes Project 0.00106.
gnomAD v4.1: 511 of 1,152,099 alleles (0.044%); highest among the groups gnomAD compares: East Asian, 1.4%; 8 homozygotes.

Submissions (3):

Labcorp Genetics (formerly Invitae), Labcorp
Classification: Benign for Granulomatous disease, chronic, X-linked. Last evaluated: 2026-01-03. Review status: criteria provided, single submitter. Criteria: Invitae Variant Classification Sherloc (09022015). Collection method: clinical testing. Allele origin: germline.

Women's Health and Genetics/Laboratory Corporation of America, LabCorp
Classification: Benign. Last evaluated: 2025-01-08. Review status: criteria provided, single submitter. Criteria: LabCorp Variant Classification Summary - May 2015. Collection method: clinical testing. Allele origin: germline.
Comment: Variant summary: CYBB c.142-12C>T alters a non-conserved nucleotide located at a position not widely known to affect splicing. Consensus agreement among computation tools predict no significant impact on normal splicing. However, these predictions have yet to be confirmed by functional studies. The variant allele was found at a frequency of 0.00044 in 1152099 control chromosomes, predominantly at a frequency of 0.014 within the East Asian subpopulation in the gnomAD database, including 8 homozygotes and 148 hemizygotes. The observed variant frequency within East Asian control individuals in the gnomAD database is approximately 7-fold of the estimated maximal expected allele frequency for a pathogenic variant in CYBB causing X-Linked Chronic Granulomatous Disease phenotype (0.0019). c.142-12C>T has been reported in the literature in an individuals affected with X-Linked Chronic Granulomatous Disease, without strong evidence for causality (Roos_2010). This report does not provide unequivocal conclusions about association of the variant with X-Linked Chronic Granulomatous Disease. To our knowledge, no experimental evidence demonstrating an impact on protein function has been reported. The following publication has been ascertained in the context of this evaluation (PMID: 20729109). ClinVar contains an entry for this variant (Variation ID: 1168673). Based on the evidence outlined above, the variant was classified as benign.

Natera, Inc.
Classification: Likely benign for Chronic granulomatous disease. Last evaluated: 2021-07-26. Review status: no assertion criteria provided. Collection method: clinical testing. Allele origin: germline. Not counted in ClinVar's aggregate classification.

Literature cited by the submitters: PubMed 20729109 (cited by Women's Health and Genetics/Laboratory Corporation of America, LabCorp).

NM_000397.4(CYBB):c.142-12C>T

Gene: CYBB (cytochrome b-245 beta chain; plus strand). Cytogenetic location: Xp21.1.
Variant type: single nucleotide variant.
Coding change: c.142-12C>T on transcript NM_000397.4 (MANE Select); 12 bases into the intron before coding-DNA position 142, C replaced by T.
Molecular consequence: intron variant.
Genome position (GRCh38, 1-based): chrX:37,783,478, C>T. VCF-style: chrX-37783478-C-T. GRCh37 (hg19) VCF-style: chrX-37642731-C-T.
Identifiers: ClinVar variation 1168673 (VCV001168673.10), dbSNP rs13306298, ClinGen allele CA10383668.